The following is an entry in ClinVar:

ClinVar aggregate classification (germline): Uncertain significance (1 of 4 stars; one submission).

gnomAD v4.1: 25 of 1,612,084 alleles (0.0016%); highest among the groups gnomAD compares: Admixed American, 0.0067%; no homozygotes.

Submission:

Labcorp Genetics (formerly Invitae), Labcorp
Classification: Uncertain significance. Last evaluated: 2025-08-25. Review status: criteria provided, single submitter. Criteria: Invitae Variant Classification Sherloc (09022015). Collection method: clinical testing. Allele origin: germline.
Comment: This sequence change replaces arginine, which is basic and polar, with histidine, which is basic and polar, at codon 1337 of the IGF1R protein (p.Arg1337His). This variant is present in population databases (rs759627092, gnomAD 0.01%). This variant has not been reported in the literature in individuals affected with IGF1R-related conditions. ClinVar contains an entry for this variant (Variation ID: 2194055). An algorithm developed to predict the effect of missense changes on protein structure and function (PolyPhen-2) suggests that this variant is likely to be disruptive. In summary, the available evidence is currently insufficient to determine the role of this variant in disease. Therefore, it has been classified as a Variant of Uncertain Significance.

NM_000875.5(IGF1R):c.4010G>A (p.Arg1337His)

Gene: IGF1R (insulin like growth factor 1 receptor; plus strand). Cytogenetic location: 15q26.3.
Variant type: single nucleotide variant.
Coding change: c.4010G>A on transcript NM_000875.5 (MANE Select); coding-DNA position 4010, G replaced by A.
Protein change: p.Arg1337His; replaces arginine 1337 with histidine.
Molecular consequence: missense variant.
Genome position (GRCh38, 1-based): chr15:98,957,348, G>A. VCF-style: chr15-98957348-G-A. GRCh37 (hg19) VCF-style: chr15-99500577-G-A.
Other names: c.4007G>A, p.Arg1336His (NM_001291858.2); short protein forms R1336H, R1337H.
Identifiers: ClinVar variation 2194055 (VCV002194055.4), dbSNP rs759627092, ClinGen allele CA7752864.